The following is an entry in ClinVar:

NM_000396.4(CTSK):c.9del (p.Leu4fs)

Gene: CTSK (cathepsin K; minus strand). Cytogenetic location: 1q21.3.
Variant type: Deletion.
Coding change: c.9del on transcript NM_000396.4 (MANE Select); coding-DNA position 9, one base deleted (G; older notation c.9delG).
Protein change: p.Leu4fs; shifts the reading frame from leucine 4.
Molecular consequence: frameshift variant.
Genome position (GRCh38, 1-based): chr1:150,806,797, C deleted on the plus strand (G on the coding strand, the reverse complement: CTSK is on the minus strand); the first of 5 consecutive C bases (chr1:150,806,797-150,806,801); deleting any one gives the same sequence. VCF-style (leftmost placement, unchanged base first): chr1-150806796-GC-G. GRCh37 (hg19) VCF-style: chr1-150779272-GC-G.
Other names: c.9del (NM_000396.3); short protein forms L4fs.
Identifiers: ClinVar variation 2681036 (VCV002681036.2), dbSNP rs2525180734, ClinGen allele CA2574054813.

ClinVar aggregate classification (germline): Likely pathogenic. Review status: criteria provided, multiple submitters, no conflicts (2 of 4 stars). 2 submissions from 2 submitters: Likely pathogenic (2). Last evaluated 2025-12-02.

Conditions:
Pyknodysostosis. Also called: Pycnodysostosis. Identifiers: Orphanet 763, MedGen C0238402, MONDO:0009940, OMIM 265800.

Submissions (2):

Natera, Inc.
Classification: Likely pathogenic for Pyknodysostosis. Last evaluated: 2025-12-02. Review status: criteria provided, single submitter. Criteria: Natera Variant Classification Schema (03/2026). Collection method: clinical testing. Allele origin: germline.
Comment: The c.9del variant in CTSK is a frameshift variant predicted to shift the reading frame beginning at codon 4 and leads to a stop codon 9 codons downstream. This variant is expected to result in nonsense mediated decay, truncation, or a dysfunctional protein product. This variant is rare in the general population with a frequency below the threshold expected for the associated phenotype(s). Given the available evidence, this variant is classified as Likely Pathogenic.

Baylor Genetics
Classification: Likely pathogenic for Pyknodysostosis. Last evaluated: 2022-06-01. Review status: criteria provided, single submitter. Criteria: ACMG Guidelines, 2015. Collection method: clinical testing. Allele origin: unknown.